The following is an entry in ClinVar:

NM_018051.5(DYNC2I1):c.1026G>C (p.Lys342Asn)

Gene: DYNC2I1 (dynein 2 intermediate chain 1; plus strand). Cytogenetic location: 7q36.3.
Variant type: single nucleotide variant.
Coding change: c.1026G>C on transcript NM_018051.5 (MANE Select); coding-DNA position 1026, G replaced by C.
Protein change: p.Lys342Asn; replaces lysine 342 with asparagine.
Molecular consequence: missense variant. On other transcripts: 5 prime UTR variant (3).
Genome position (GRCh38, 1-based): chr7:158,891,300, G>C. VCF-style: chr7-158891300-G-C. GRCh37 (hg19) VCF-style: chr7-158683991-G-C.
Other names: c.888G>C, p.Lys296Asn (NM_001350914.2); c.453G>C, p.Lys151Asn (NM_001350915.2); c.-333G>C (NM_001350916.2); c.-341G>C (NM_001350917.2); c.-460G>C (NM_001350918.2); short protein forms K342N, K296N, K151N.
Identifiers: ClinVar variation 2039100 (VCV002039100.4), dbSNP rs2536013833, ClinGen allele CA370184291.
Genomic context (GRCh38, chr7:158,891,300, plus strand): 5'-GATGGGGCTGTTCTCTCTCCATTAGCATGGCCACGAGGAAGGCTCTTCTGTGTGGTGGAA[G>C]CTGGACCAGAGGCCGGGAGGCGAGGAAACCGTGGTAAGGAGAGTACGTCTTCTTATAGTT-3'
Protein context (NP_060521.4, residues 332-352): GHEEGSSVWW[Lys342Asn]LDQRPGGEET

ClinVar aggregate classification (germline): Uncertain significance (1 of 4 stars; one submission).

Conditions:
Short-rib thoracic dysplasia 8 with or without polydactyly (SRTD8). Also called: SHORT-RIB THORACIC DYSPLASIA 8 WITH POLYDACTYLY. Identifiers: Orphanet 93271, MedGen C3809691, MONDO:0014214, OMIM 615503.

Submission:

Labcorp Genetics (formerly Invitae), Labcorp
Classification: Uncertain significance for Short-rib thoracic dysplasia 8 with or without polydactyly. Last evaluated: 2024-04-16. Review status: criteria provided, single submitter. Criteria: Invitae Variant Classification Sherloc (09022015). Collection method: clinical testing. Allele origin: germline.
Comment: This sequence change replaces lysine, which is basic and polar, with asparagine, which is neutral and polar, at codon 342 of the WDR60 protein (p.Lys342Asn). This variant is not present in population databases (gnomAD no frequency). This variant has not been reported in the literature in individuals affected with WDR60-related conditions. ClinVar contains an entry for this variant (Variation ID: 2039100). An algorithm developed to predict the effect of missense changes on protein structure and function (PolyPhen-2) suggests that this variant is likely to be disruptive. In summary, the available evidence is currently insufficient to determine the role of this variant in disease. Therefore, it has been classified as a Variant of Uncertain Significance.